The following is an entry in ClinVar:

NM_001131016.2(CIZ1):c.2400C>G (p.Ile800Met)

Gene: CIZ1 (CDKN1A interacting zinc finger protein 1; minus strand). Cytogenetic location: 9q34.11.
Variant type: single nucleotide variant.
Coding change: c.2400C>G on transcript NM_001131016.2 (MANE Select); coding-DNA position 2400, C replaced by G.
Protein change: p.Ile800Met; replaces isoleucine 800 with methionine.
Molecular consequence: missense variant.
Genome position (GRCh38, 1-based): chr9:128,166,846, G>C on the plus strand (C>G on the coding strand, the complement: CIZ1 is on the minus strand). VCF-style: chr9-128166846-G-C. GRCh37 (hg19) VCF-style: chr9-130929125-G-C.
Other names: c.2232C>G, p.Ile744Met (NM_001131015.2); c.2217C>G, p.Ile739Met (NM_001131017.2); c.2160C>G, p.Ile720Met (NM_001131018.2); c.2568C>G, p.Ile856Met (NM_001257975.2); c.2097C>G, p.Ile699Met (NM_001257976.2); c.2400C>G, p.Ile800Met (NM_012127.3); short protein forms I744M, I720M, I800M, I739M, I856M, I699M.
Identifiers: ClinVar variation 3679074 (VCV003679074.2).

ClinVar aggregate classification (germline): Uncertain significance (1 of 4 stars; one submission).

Conditions:
Dystonic disorder. Also called: Dystonia. Identifiers: MedGen C0013421, MONDO:0003441, HP:0001332.

Submission:

Labcorp Genetics (formerly Invitae), Labcorp
Classification: Uncertain significance for Dystonic disorder. Last evaluated: 2024-10-31. Review status: criteria provided, single submitter. Criteria: Invitae Variant Classification Sherloc (09022015). Collection method: clinical testing. Allele origin: germline.
Comment: This sequence change replaces isoleucine, which is neutral and non-polar, with methionine, which is neutral and non-polar, at codon 800 of the CIZ1 protein (p.Ile800Met). This variant is not present in population databases (gnomAD no frequency). This variant has not been reported in the literature in individuals affected with CIZ1-related conditions. An algorithm developed to predict the effect of missense changes on protein structure and function (PolyPhen-2) suggests that this variant is likely to be tolerated. In summary, the available evidence is currently insufficient to determine the role of this variant in disease. Therefore, it has been classified as a Variant of Uncertain Significance.